The following is an entry in ClinVar:

NM_020461.4(TUBGCP6):c.1223C>T (p.Thr408Met)

Gene: TUBGCP6 (tubulin gamma complex component 6; minus strand). Cytogenetic location: 22q13.33.
Variant type: single nucleotide variant.
Coding change: c.1223C>T on transcript NM_020461.4 (MANE Select); coding-DNA position 1223, C replaced by T.
Protein change: p.Thr408Met; replaces threonine 408 with methionine.
Molecular consequence: missense variant.
Genome position (GRCh38, 1-based): chr22:50,229,471, G>A on the plus strand (C>T on the coding strand, the complement: TUBGCP6 is on the minus strand). VCF-style: chr22-50229471-G-A. GRCh37 (hg19) VCF-style: chr22-50667900-G-A.
Other names: short protein forms T408M.
Identifiers: ClinVar variation 1056913 (VCV001056913.5), dbSNP rs371357025, ClinGen allele CA10308782.

ClinVar aggregate classification (germline): Uncertain significance. Review status: criteria provided, single submitter (1 of 4 stars). 2 submissions from 2 submitters: Uncertain significance (1). 1 of the submissions does not count toward it. Last evaluated 2022-09-06.

Conditions:
Retinal dystrophy. Also called: Inherited retinal dystrophy. Identifiers: Orphanet 71862, MedGen C0854723, MeSH D058499, MONDO:0019118, HP:0000556.

Allele frequency attached by ClinVar (database versions not stated): gnomAD exomes 0.00007 and 0.00010; ESP Exome Variant Server 0.00008; ExAC 0.00010; TOPMed 0.00012; gnomAD 0.00013 and 0.00014.
gnomAD v4.1: 169 of 1,612,924 alleles (0.01%); highest among the groups gnomAD compares: South Asian, 0.014%; no homozygotes.

Submissions (2):

Labcorp Genetics (formerly Invitae), Labcorp
Classification: Uncertain significance. Last evaluated: 2022-09-06. Review status: criteria provided, single submitter. Criteria: Invitae Variant Classification Sherloc (09022015). Collection method: clinical testing. Allele origin: germline.
Comment: This sequence change replaces threonine, which is neutral and polar, with methionine, which is neutral and non-polar, at codon 408 of the TUBGCP6 protein (p.Thr408Met). This variant is present in population databases (rs371357025, gnomAD 0.01%). This missense change has been observed in individual(s) with clinical features of TUBGCP6-related conditions (Invitae). ClinVar contains an entry for this variant (Variation ID: 1056913). Algorithms developed to predict the effect of missense changes on protein structure and function output the following: SIFT: "Tolerated"; PolyPhen-2: "Benign"; Align-GVGD: "Class C0". The methionine amino acid residue is found in multiple mammalian species, which suggests that this missense change does not adversely affect protein function. In summary, the available evidence is currently insufficient to determine the role of this variant in disease. Therefore, it has been classified as a Variant of Uncertain Significance.

Institute of Human Genetics, Univ. Regensburg, Univ. Regensburg
Classification: Uncertain significance for Retinal dystrophy. Last evaluated: 2023-01-01. Review status: no assertion criteria provided. Criteria: ACMG Guidelines, 2015. Collection method: clinical testing. Allele origin: germline. Affected: yes. Not counted in ClinVar's aggregate classification.